The following is an entry in ClinVar:

ClinVar aggregate classification (germline): Pathogenic (1 of 4 stars; one submission).

Conditions:
Familial cancer of breast. Also called: hereditary breast carcinoma; BREAST CANCER, FAMILIAL; Hereditary breast cancer. Identifiers: Orphanet 227535, MedGen C0346153, MONDO:0016419, OMIM 114480. Disease mechanism: loss of function.
Fanconi anemia complementation group J. Also called: BRIP1-Related Fanconi Anemia. Identifiers: Orphanet 84, MedGen C1836860, MONDO:0012187, OMIM 609054.

Submission:

Labcorp Genetics (formerly Invitae), Labcorp
Classification: Pathogenic for Familial cancer of breast; Fanconi anemia complementation group J. Last evaluated: 2019-02-14. Review status: criteria provided, single submitter. Criteria: Invitae Variant Classification Sherloc (09022015). Collection method: clinical testing. Allele origin: germline.
Comment: This variant is not present in population databases (ExAC no frequency). This sequence change creates a premature translational stop signal (p.Ile482Valfs*45) in the BRIP1 gene. It is expected to result in an absent or disrupted protein product. This variant has not been reported in the literature in individuals with BRIP1-related conditions. For these reasons, this variant has been classified as Pathogenic. Loss-of-function variants in BRIP1 are known to be pathogenic (PMID: 16116423, 17033622, 21964575).

Literature cited by the submitters: PubMed 16116423; PubMed 17033622; PubMed 21964575.

NM_032043.3(BRIP1):c.1442_1443dup (p.Ile482fs)

Gene: BRIP1 (BRCA1 interacting DNA helicase 1; minus strand). Cytogenetic location: 17q23.2.
Variant type: Duplication.
Coding change: c.1442_1443dup on transcript NM_032043.3 (MANE Select); coding-DNA positions 1442 to 1443, 2 bases duplicated (GT; older notation c.1442_1443dupGT).
Protein change: p.Ile482fs; shifts the reading frame from isoleucine 482.
Molecular consequence: frameshift variant.
Genome position (GRCh38, 1-based): chr17:61,793,627-61,793,628, AC duplicated on the plus strand (GT on the coding strand, the reverse complement: BRIP1 is on the minus strand). VCF-style (leftmost placement, unchanged base first): chr17-61793626-T-TAC. GRCh37 (hg19) VCF-style: chr17-59870987-T-TAC.
Other names: short protein forms I482fs.
Identifiers: ClinVar variation 850098 (VCV000850098.8), dbSNP rs2077853451, ClinGen allele CA916081912.